The following is an entry in ClinVar:

NM_000038.6(APC):c.418G>C (p.Glu140Gln)

Gene: APC (APC regulator of Wnt signaling pathway; plus strand). Cytogenetic location: 5q22.2.
Variant type: single nucleotide variant.
Coding change: c.418G>C on transcript NM_000038.6 (MANE Select); coding-DNA position 418, G replaced by C.
Protein change: p.Glu140Gln; replaces glutamic acid 140 with glutamine.
Molecular consequence: missense variant. On other transcripts: 5 prime UTR variant (4), non-coding transcript variant (2).
Genome position (GRCh38, 1-based): chr5:112,767,386, G>C. VCF-style: chr5-112767386-G-C. GRCh37 (hg19) VCF-style: chr5-112103083-G-C.
Other names: c.418G>C, p.Glu140Gln (NM_001127510.3, NM_001354899.2, NM_001354895.2 and 16 more transcripts); c.448G>C, p.Glu150Gln (NM_001354897.2, NM_001127511.3, NM_001354902.2 and 1 more transcripts); c.343G>C, p.Glu115Gln (NM_001354898.2, NM_001354904.2, NM_001407451.1); c.241G>C, p.Glu81Gln (NM_001354900.2, NM_001354901.2, NM_001354905.2 and 1 more transcripts); c.-618G>C (NM_001354906.2, NM_001407470.1, NM_001407471.1 and 1 more transcripts); short protein forms E115Q, E81Q, E140Q, E150Q.
Identifiers: ClinVar variation 2452700 (VCV002452700.3), dbSNP rs1288422703, ClinGen allele CA16022237.

ClinVar aggregate classification (germline): Uncertain significance. Review status: criteria provided, multiple submitters, no conflicts (2 of 4 stars). 2 submissions from 2 submitters: Uncertain significance (2). Last evaluated 2025-11-25.

Conditions:
Familial adenomatous polyposis 1 (FAP1). Also called: POLYPOSIS, ADENOMATOUS INTESTINAL; FAMILIAL ADENOMATOUS POLYPOSIS 1, ATTENUATED. Identifiers: MedGen C2713442, MONDO:0021056, OMIM 175100. Disease mechanism: loss of function.
Hereditary cancer-predisposing syndrome. Also called: Neoplastic Syndromes, Hereditary; Tumor predisposition; Hereditary neoplastic syndrome; Hereditary Cancer Syndrome. Identifiers: Orphanet 140162, MedGen C0027672, MeSH D009386, MONDO:0015356.

Submissions (2):

Labcorp Genetics (formerly Invitae), Labcorp
Classification: Uncertain significance for Familial adenomatous polyposis 1. Last evaluated: 2025-11-25. Review status: criteria provided, single submitter. Criteria: Invitae Variant Classification Sherloc (09022015). Collection method: clinical testing. Allele origin: germline.
Comment: This sequence change replaces glutamic acid, which is acidic and polar, with glutamine, which is neutral and polar, at codon 140 of the APC protein (p.Glu140Gln). This variant is not present in population databases (gnomAD no frequency). This variant has not been reported in the literature in individuals affected with APC-related conditions. ClinVar contains an entry for this variant (Variation ID: 2452700). Invitae Evidence Modeling of protein sequence and biophysical properties (such as structural, functional, and spatial information, amino acid conservation, physicochemical variation, residue mobility, and thermodynamic stability) indicates that this missense variant is not expected to disrupt APC protein function with a negative predictive value of 95%. In summary, the available evidence is currently insufficient to determine the role of this variant in disease. Therefore, it has been classified as a Variant of Uncertain Significance.

Ambry Genetics
Classification: Uncertain significance for Hereditary cancer-predisposing syndrome. Last evaluated: 2023-01-04. Review status: criteria provided, single submitter. Criteria: Ambry Variant Classification Scheme 2023. Collection method: clinical testing. Allele origin: germline.
Comment: The p.E140Q variant (also known as c.418G>C), located in coding exon 3 of the APC gene, results from a G to C substitution at nucleotide position 418. The glutamic acid at codon 140 is replaced by glutamine, an amino acid with highly similar properties. This amino acid position is highly conserved in available vertebrate species. In addition, in silico predictors for this gene do not accurately predict pathogenicity. Since supporting evidence is limited at this time, the clinical significance of this alteration remains unclear.